The following is an entry in ClinVar:

NM_014334.4(FRRS1L):c.454A>C (p.Lys152Gln)

Gene: FRRS1L (ferric chelate reductase 1 like; minus strand). Cytogenetic location: 9q31.3.
Variant type: single nucleotide variant.
Coding change: c.454A>C on transcript NM_014334.4 (MANE Select); coding-DNA position 454, A replaced by C.
Protein change: p.Lys152Gln; replaces lysine 152 with glutamine.
Molecular consequence: missense variant.
Genome position (GRCh38, 1-based): chr9:109,147,059, T>G on the plus strand (A>C on the coding strand, the complement: FRRS1L is on the minus strand). VCF-style: chr9-109147059-T-G. GRCh37 (hg19) VCF-style: chr9-111909339-T-G.
Other names: short protein forms K152Q.
Identifiers: ClinVar variation 665833 (VCV000665833.9), dbSNP rs763406191, ClinGen allele CA5177412.

ClinVar aggregate classification (germline): Uncertain significance. Review status: criteria provided, multiple submitters, no conflicts (2 of 4 stars). 3 submissions from 3 submitters: Uncertain significance (3). Last evaluated 2026-03-05.

Conditions:
Developmental and epileptic encephalopathy, 37 (DEE37). Also called: Epileptic encephalopathy, early infantile, 37. Identifiers: MedGen C4310770, MONDO:0014859, OMIM 616981.

Allele frequency attached by ClinVar (database versions not stated): gnomAD 0.00002 and 0.00003; TOPMed 0.00002.
gnomAD v4.1: 30 of 1,613,860 alleles (0.0019%); highest among the groups gnomAD compares: Admixed American, 0.005%; no homozygotes.

Submissions (3):

GeneDx
Classification: Uncertain significance. Last evaluated: 2026-03-05. Review status: criteria provided, single submitter. Criteria: GeneDx Variant Classification Process June 2021. Collection method: clinical testing. Allele origin: germline.
Comment: Not observed at significant frequency in large population cohorts (gnomAD); In silico analysis suggests that this missense variant does not alter protein structure/function; Has not been previously published as pathogenic or benign to our knowledge

Blueprint Genetics
Classification: Uncertain significance. Last evaluated: 2024-02-22. Review status: criteria provided, single submitter. Criteria: ACMG Guidelines, 2015. Collection method: clinical testing. Allele origin: germline.

Labcorp Genetics (formerly Invitae), Labcorp
Classification: Uncertain significance for Developmental and epileptic encephalopathy, 37. Last evaluated: 2024-01-02. Review status: criteria provided, single submitter. Criteria: Invitae Variant Classification Sherloc (09022015). Collection method: clinical testing. Allele origin: germline.
Comment: This sequence change replaces lysine, which is basic and polar, with glutamine, which is neutral and polar, at codon 203 of the FRRS1L protein (p.Lys203Gln). The frequency data for this variant in the population databases is considered unreliable, as metrics indicate poor data quality at this position in the gnomAD database. This variant has not been reported in the literature in individuals affected with FRRS1L-related conditions. ClinVar contains an entry for this variant (Variation ID: 665833). An algorithm developed to predict the effect of missense changes on protein structure and function (PolyPhen-2) suggests that this variant¬†is likely to be tolerated. In summary, the available evidence is currently insufficient to determine the role of this variant in disease. Therefore, it has been classified as a Variant of Uncertain Significance.